The following is an entry in ClinVar:

ClinVar aggregate classification (germline): Likely pathogenic (3 of 4 stars; one submission).

Conditions:
Mucopolysaccharidosis type 1. Also called: IDUA deficiency; MPS I. Identifiers: Orphanet 579, MedGen C0023786, MONDO:0001586.

Submission:

ClinGen Lysosomal Storage Disorder Variant Curation Expert Panel
Classification: Likely pathogenic for Mucopolysaccharidosis type 1. Last evaluated: 2025-12-21. Review status: reviewed by expert panel. Criteria: ClinGen LSD ACMG Specifications IDUA V1.1.0. Collection method: curation. Allele origin: germline. Inheritance: Autosomal recessive inheritance.
Comment: The NM_000203.5:c.530T>C variant in IDUA is a missense variant predicted to cause substitution of phenylalanine by serine at amino acid 177 (p.Phe177Ser). This patient is homozygous for the variant (0.5 points) (PM3_Supporting). The computational predictor REVEL gives a score of 0.942 which is above the threshold of 0.773, evidence that correlates with impact to IDUA function at the moderate level based on the specifications of the ClinGen Lysosomal Diseases VCEP (PMID: 36413997) (PP3_Moderate). SpliceAI predicts that the variant has no impact on splicing (all scores <0.1). This variant is absent in gnomAD v4.1.0. (PM2_Supporting). In summary, this variant meets the criteria to be classified as likely pathogenic for MPS I. IDUA-specific ACMG/AMP criteria applied, as specified by the ClinGen Lysosomal Diseases Variant Curation Expert Panel (Specifications Version 1.1.0): PM2_Supporting, PM3_Supporting, PP3_Moderate, PP4_Moderate. (Classification approved by the ClinGen Lysosomal Diseases Variant Curation Expert Panel on December 29, 2025)

NM_000203.5(IDUA):c.530T>C (p.Phe177Ser)

Gene: IDUA (alpha-L-iduronidase; plus strand). Cytogenetic location: 4p16.3.
Variant type: single nucleotide variant.
Coding change: c.530T>C on transcript NM_000203.5 (MANE Select); coding-DNA position 530, T replaced by C.
Protein change: p.Phe177Ser; replaces phenylalanine 177 with serine.
Molecular consequence: missense variant. On other transcripts: non-coding transcript variant (1).
Genome position (GRCh38, 1-based): chr4:1,001,504, T>C. VCF-style: chr4-1001504-T-C. GRCh37 (hg19) VCF-style: chr4-995292-T-C.
Other names: NM_001363576.1:c.134T>C; c.134T>C, p.Phe45Ser (NM_001363576.1); short protein forms F177S, F45S.
Identifiers: ClinVar variation 4539823 (VCV004539823.1).